The following is an entry in ClinVar:

ClinVar aggregate classification (germline): Pathogenic. Review status: criteria provided, multiple submitters, no conflicts (2 of 4 stars). 3 submissions from 3 submitters: Pathogenic (2). 1 of the submissions does not count toward it. Last evaluated 2024-02-07.

Conditions:
3-Oxo-5 alpha-steroid delta 4-dehydrogenase deficiency (PPSH). Also called: 46,XY disorder of sex development due to 5-alpha-reductase 2 deficiency; PSEUDOVAGINAL PERINEOSCROTAL HYPOSPADIAS; FAMILIAL INCOMPLETE MALE PSEUDOHERMAPHRODITISM, TYPE 2; MALE PSEUDOHERMAPHRODITISM DUE TO 5-ALPHA-REDUCTASE DEFICIENCY. Identifiers: Orphanet 753, MedGen C0268297, MONDO:0009923, OMIM 264600. Disease mechanism: loss of function.

Submissions (3):

Labcorp Genetics (formerly Invitae), Labcorp
Classification: Pathogenic for 3-Oxo-5 alpha-steroid delta 4-dehydrogenase deficiency. Last evaluated: 2024-02-07. Review status: criteria provided, single submitter. Criteria: Invitae Variant Classification Sherloc (09022015). Collection method: clinical testing. Allele origin: germline.
Comment: This sequence change results in a frameshift in the SRD5A2 gene (p.Phe219Serfs*60). While this is not anticipated to result in nonsense mediated decay, it is expected to disrupt the last 36 amino acid(s) of the SRD5A2 protein and extend the protein by 23 additional amino acid residues. This variant is present in population databases (rs9332962, gnomAD 0.01%). This frameshift has been observed in individual(s) with steroid-5 alpha-reductase deficiency (PMID: 20190539, 23329752). This variant is also known as c.Tdel219. ClinVar contains an entry for this variant (Variation ID: 97381). For these reasons, this variant has been classified as Pathogenic.

GeneDx
Classification: Pathogenic. Last evaluated: 2017-09-06. Review status: criteria provided, single submitter. Criteria: GeneDx Variant Classification (06012015). Collection method: clinical testing. Allele origin: germline. Affected: yes.
Comment: The c.656delT variant in the SRD5A2 gene (also referred to as c.655delT) has been reported previously in association with autosomal recessive 5-alpha-reductase deficiency when present in the homozygous state or when in trans with another disease-causing variant (Ko et al., 2010; Fan et al., 2017; Wang et al., 2004). Functional studies on transfected COS-7 cells demonstrated that the pathogenic variant resulted in a dramatic reduction in 5-alpha-reductase activity (Zhang et al., 2011). This frameshift pathogenic variant replaces the typical last 36 amino acid residues in the SRD5A2 protein with 59 different amino acid residues. This change is expected to alter the normal structure and function of the resultant protein. The c.656delT variant is not observed in large population cohorts (Lek et al., 2016; 1000 Genomes Consortium et al., 2015; Exome Variant Server). We interpret c.656delT as a pathogenic variant.

University of Sydney Medical Foundation
No classification provided. Review status: no classification provided. Collection method: not provided. Allele origin: not provided. Not counted in ClinVar's aggregate classification.

Literature cited by the submitters: PubMed 20190539 (cited by Labcorp Genetics (formerly Invitae), Labcorp); PubMed 23329752 (cited by Labcorp Genetics (formerly Invitae), Labcorp).

NM_000348.4(SRD5A2):c.656del (p.Phe219fs)

Gene: SRD5A2 (steroid 5 alpha-reductase 2; minus strand). Cytogenetic location: 2p23.1.
Variant type: Deletion.
Coding change: c.656del on transcript NM_000348.4 (MANE Select); coding-DNA position 656, one base deleted (T; older notation c.656delT).
Protein change: p.Phe219fs; shifts the reading frame from phenylalanine 219.
Molecular consequence: frameshift variant.
Genome position (GRCh38, 1-based): chr2:31,529,349, A deleted on the plus strand (T on the coding strand, the reverse complement: SRD5A2 is on the minus strand); the first of 5 consecutive A bases (chr2:31,529,349-31,529,353); deleting any one gives the same sequence. VCF-style (leftmost placement, unchanged base first): chr2-31529348-GA-G. GRCh37 (hg19) VCF-style: chr2-31754418-GA-G.
Other names: short protein forms F219fs.
Identifiers: ClinVar variation 97381 (VCV000097381.5), dbSNP rs61748127, ClinGen allele CA224872.